The following is an entry in ClinVar:

ClinVar aggregate classification (germline): Likely benign (0 of 4 stars; one submission).

Conditions:
EDA-related disorder. Also called: EDA-related disorders; EDA-related condition.

Submission:

PreventionGenetics, part of Exact Sciences
Classification: Likely benign for EDA-related condition. Last evaluated: 2019-06-03. Review status: no assertion criteria provided. Collection method: clinical testing. Allele origin: germline.
Comment: This variant is classified as likely benign based on ACMG/AMP sequence variant interpretation guidelines (Richards et al. 2015 PMID: 25741868, with internal and published modifications).

NM_001399.5(EDA):c.396+53493_396+53498dup

Gene: EDA (ectodysplasin A; plus strand). Cytogenetic location: Xq13.1.
Variant type: Duplication.
Coding change: c.396+53493_396+53498dup on transcript NM_001399.5 (MANE Select); bases 53493 to 53498 of the intron after coding-DNA position 396, 6 bases duplicated (TTTTTT; older notation c.396+53493_396+53498dupTTTTTT).
Molecular consequence: intron variant.
Genome position (GRCh38, 1-based): chrX:69,670,197-69,670,202, TTTTTT duplicated; duplicating any 6 consecutive bases within chrX:69,670,184-69,670,202 gives the same sequence; the c. name uses the placement nearest the transcript's 3' end. VCF-style (leftmost placement, unchanged base first): chrX-69670183-G-GTTTTTT. GRCh37 (hg19) VCF-style: chrX-68890027-G-GTTTTTT.
Other names: c.396+53493_396+53498dup (NM_001005609.2, NM_001005612.3, NM_001005610.4); c.397-13_397-8dup (NM_001005613.4).
Identifiers: ClinVar variation 3055626 (VCV003055626.2), dbSNP rs544601085, ClinGen allele CA10438899.